The following is an entry in ClinVar:

ClinVar aggregate classification (germline): Benign/Likely benign. Review status: criteria provided, multiple submitters, no conflicts (2 of 4 stars). 11 submissions from 11 submitters: Benign (7); Likely benign (1). 3 of the submissions do not count toward it. Last evaluated 2026-02-04.

Conditions:
Nemaline myopathy 2 (NEM2). Also called: Nemaline myopathy 2, autosomal recessive. Identifiers: MedGen C1850569, MONDO:0009725, OMIM 256030.

Allele frequency attached by ClinVar (database versions not stated): ExAC 0.02561; 1000 Genomes Project 30x 0.01686; gnomAD exomes 0.01933 and 0.02102; 1000 Genomes Project 0.01637; TOPMed 0.02326; gnomAD 0.02451 and 0.02589; ESP Exome Variant Server 0.02347.
gnomAD v4.1: 34,153 of 1,603,208 alleles (2.1%); highest among the groups gnomAD compares: African/African-American, 3.9%; 430 homozygotes.

Submissions (18):

Labcorp Genetics (formerly Invitae), Labcorp
Classification: Benign for Nemaline myopathy 2. Last evaluated: 2026-02-04. Review status: criteria provided, single submitter. Criteria: Invitae Variant Classification Sherloc (09022015). Collection method: clinical testing. Allele origin: germline.

Blueprint Genetics
Classification: Likely benign. Last evaluated: 2024-11-26. Review status: criteria provided, single submitter. Criteria: ACMG Guidelines, 2015. Collection method: clinical testing. Allele origin: germline.

Women's Health and Genetics/Laboratory Corporation of America, LabCorp
Classification: Benign. Last evaluated: 2022-02-01. Review status: criteria provided, single submitter. Criteria: LabCorp Variant Classification Summary - May 2015. Collection method: clinical testing. Allele origin: germline.

Mayo Clinic Laboratories, Mayo Clinic
Classification: Benign. Last evaluated: 2018-05-24. Review status: criteria provided, single submitter. Criteria: ACMG Guidelines, 2015. Collection method: clinical testing. Allele origin: germline. Observed: 30 variant alleles.

Illumina Laboratory Services, Illumina
Classification: Benign for Nemaline myopathy 2. Last evaluated: 2018-01-13. Review status: criteria provided, single submitter. Criteria: ICSL Variant Classification Criteria 13 December 2019. Collection method: clinical testing. Allele origin: germline.
Comment: This variant was observed in the ICSL laboratory as part of a predisposition screen in an ostensibly healthy population. It had not been previously curated by ICSL or reported in the Human Gene Mutation Database (HGMD: prior to June 1st, 2018), and was therefore a candidate for classification through an automated scoring system. Utilizing variant allele frequency, disease prevalence and penetrance estimates, and inheritance mode, an automated score was calculated to assess if this variant is too frequent to cause the disease. Based on the score and internal cut-off values, a variant classified as benign is not then subjected to further curation. The score for this variant resulted in a classification of benign for this disease.

GeneDx
Classification: Benign. Last evaluated: 2016-03-29. Review status: criteria provided, single submitter. Criteria: GeneDx Variant Classification (06012015). Collection method: clinical testing. Allele origin: germline. Affected: yes.
Comment: This variant is considered likely benign or benign based on one or more of the following criteria: it is a conservative change, it occurs at a poorly conserved position in the protein, it is predicted to be benign by multiple in silico algorithms, and/or has population frequency not consistent with disease.

PreventionGenetics, part of Exact Sciences
Classification: Benign. Last evaluated: 2016-03-07. Review status: criteria provided, single submitter. Criteria: ACMG Guidelines, 2015. Collection method: clinical testing. Allele origin: germline.

Breakthrough Genomics
Classification: Benign. Review status: criteria provided, single submitter. Criteria: ACMG Guidelines, 2015. Collection method: not provided. Allele origin: germline. Inheritance: Autosomal recessive inheritance. Affected: yes.

Dr. Peter K. Rogan Lab, Western University
No classification provided (evidence only). Condition: Acute myeloid leukemia. Review status: no classification provided. Collection method: in vitro. Allele origin: not applicable. Functional consequence: retained intron. Not counted in ClinVar's aggregate classification.

Dr. Peter K. Rogan Lab, Western University
No classification provided (evidence only). Condition: Acute myeloid leukemia. Review status: no classification provided. Collection method: in vitro. Allele origin: not applicable. Functional consequence: retained intron. Not counted in ClinVar's aggregate classification.

Dr. Peter K. Rogan Lab, Western University
No classification provided (evidence only). Condition: Uterine corpus endometrial carcinoma. Review status: no classification provided. Collection method: in vitro. Allele origin: not applicable. Functional consequence: retained intron. Not counted in ClinVar's aggregate classification.

Dr. Peter K. Rogan Lab, Western University
No classification provided (evidence only). Condition: Ovarian serous cystadenocarcinoma. Review status: no classification provided. Collection method: in vitro. Allele origin: not applicable. Functional consequence: retained intron. Not counted in ClinVar's aggregate classification.

Dr. Peter K. Rogan Lab, Western University
No classification provided (evidence only). Condition: Ovarian serous cystadenocarcinoma. Review status: no classification provided. Collection method: in vitro. Allele origin: not applicable. Functional consequence: retained intron. Not counted in ClinVar's aggregate classification.

Dr. Peter K. Rogan Lab, Western University
No classification provided (evidence only). Condition: Ovarian serous cystadenocarcinoma. Review status: no classification provided. Collection method: in vitro. Allele origin: not applicable. Functional consequence: retained intron. Not counted in ClinVar's aggregate classification.

Dr. Peter K. Rogan Lab, Western University
No classification provided (evidence only). Condition: Uterine carcinosarcoma. Review status: no classification provided. Collection method: in vitro. Allele origin: not applicable. Functional consequence: retained intron. Not counted in ClinVar's aggregate classification.

Genetic Services Laboratory, University of Chicago
Classification: Likely benign for AllHighlyPenetrant. Review status: no assertion criteria provided. Collection method: clinical testing. Allele origin: germline. Inheritance: Autosomal recessive inheritance. Not counted in ClinVar's aggregate classification.
Comment: Likely benign based on allele frequency in 1000 Genomes Project or ESP global frequency and its presence in a patient with a rare or unrelated disease phenotype. NOT Sanger confirmed.

Genome Diagnostics Laboratory, University Medical Center Utrecht
Classification: Benign. Review status: no assertion criteria provided. Collection method: clinical testing. Allele origin: germline. Affected: yes. Study: VKGL Data-share Consensus. Not counted in ClinVar's aggregate classification.

Laboratory of Diagnostic Genome Analysis, Leiden University Medical Center (LUMC)
Classification: Likely benign. Review status: no assertion criteria provided. Collection method: clinical testing. Allele origin: germline. Affected: yes. Study: VKGL Data-share Consensus. Not counted in ClinVar's aggregate classification.

NM_001164508.2(NEB):c.19732-6C>T

Gene: NEB (nebulin; minus strand). Cytogenetic location: 2q23.3.
Variant type: single nucleotide variant.
Coding change: c.19732-6C>T on transcript NM_001164508.2 (MANE Select); 6 bases into the intron before coding-DNA position 19732, C replaced by T.
Molecular consequence: intron variant.
Genome position (GRCh38, 1-based): chr2:151,552,782, G>A on the plus strand (C>T on the coding strand, the complement: NEB is on the minus strand). VCF-style: chr2-151552782-G-A. GRCh37 (hg19) VCF-style: chr2-152409296-G-A.
Other names: p.?; c.14629-6C>T (NM_004543.5); c.19732-6C>T (NM_001164507.2, NM_001271208.2).
Identifiers: ClinVar variation 129719 (VCV000129719.25), dbSNP rs11894996, ClinGen allele CA153918.